The following is an entry in ClinVar:

NM_001195263.2(PDZD7):c.1574-5T>A

Gene: PDZD7 (PDZ domain containing 7; minus strand). Cytogenetic location: 10q24.31.
Variant type: single nucleotide variant.
Coding change: c.1574-5T>A on transcript NM_001195263.2 (MANE Select); 5 bases into the intron before coding-DNA position 1574, T replaced by A.
Molecular consequence: intron variant.
Genome position (GRCh38, 1-based): chr10:101,015,816, A>T on the plus strand (T>A on the coding strand, the complement: PDZD7 is on the minus strand). VCF-style: chr10-101015816-A-T. GRCh37 (hg19) VCF-style: chr10-102775573-A-T.
Identifiers: ClinVar variation 2015193 (VCV002015193.4), dbSNP rs2492824874, ClinGen allele CA2580081111.
Genomic context (GRCh38, chr10:101,015,816, plus strand): 5'-CTGGCTGGAGGGACTCCCAGACCTGGCAGACAGCAGGGCCCGGCCCCTCTCCTGGTCTGC[A>T]GGGCAGGAACCATCAGGGGAGGGGAGAGGGGCTTCCCTCAGCAGGGCTGGGCCCCAGAAT-3'

ClinVar aggregate classification (germline): Uncertain significance (1 of 4 stars; one submission).

Submission:

Labcorp Genetics (formerly Invitae), Labcorp
Classification: Uncertain significance. Last evaluated: 2022-07-08. Review status: criteria provided, single submitter. Criteria: Invitae Variant Classification Sherloc (09022015). Collection method: clinical testing. Allele origin: germline.
Comment: This variant is not present in population databases (gnomAD no frequency). This variant has not been reported in the literature in individuals affected with PDZD7-related conditions. Algorithms developed to predict the effect of sequence changes on RNA splicing suggest that this variant may disrupt the consensus splice site. In summary, the available evidence is currently insufficient to determine the role of this variant in disease. Therefore, it has been classified as a Variant of Uncertain Significance. This sequence change falls in intron 10 of the PDZD7 gene. It does not directly change the encoded amino acid sequence of the PDZD7 protein.